The following is an entry in ClinVar:

NM_000257.4(MYH7):c.692G>T (p.Gly231Val)

Gene: MYH7 (myosin heavy chain 7; minus strand). Cytogenetic location: 14q11.2.
Variant type: single nucleotide variant.
Coding change: c.692G>T on transcript NM_000257.4 (MANE Select); coding-DNA position 692, G replaced by T.
Protein change: p.Gly231Val; replaces glycine 231 with valine.
Molecular consequence: missense variant.
Genome position (GRCh38, 1-based): chr14:23,431,625, C>A on the plus strand (G>T on the coding strand, the complement: MYH7 is on the minus strand). VCF-style: chr14-23431625-C-A. GRCh37 (hg19) VCF-style: chr14-23900834-C-A.
Other names: short protein forms G231V.
Identifiers: ClinVar variation 928851 (VCV000928851.2), dbSNP rs1380372471, ClinGen allele CA389052246.

ClinVar aggregate classification (germline): Uncertain significance. Review status: criteria provided, multiple submitters, no conflicts (2 of 4 stars). 2 submissions from 2 submitters: Uncertain significance (2). Last evaluated 2025-05-21.

Conditions:
Cardiovascular phenotype. Identifiers: MedGen CN230736.

Submissions (2):

Ambry Genetics
Classification: Uncertain significance for Cardiovascular phenotype. Last evaluated: 2025-05-21. Review status: criteria provided, single submitter. Criteria: Ambry Variant Classification Scheme 2023. Collection method: clinical testing. Allele origin: germline.
Comment: The p.G231V variant (also known as c.692G>T), located in coding exon 6 of the MYH7 gene, results from a G to T substitution at nucleotide position 692. The glycine at codon 231 is replaced by valine, an amino acid with dissimilar properties. This amino acid position is highly conserved in available vertebrate species. In addition, this alteration is predicted to be deleterious by in silico analysis. Based on the available evidence, the clinical significance of this variant remains unclear.

Women's Health and Genetics/Laboratory Corporation of America, LabCorp
Classification: Uncertain significance. Last evaluated: 2019-08-19. Review status: criteria provided, single submitter. Criteria: LabCorp Variant Classification Summary - May 2015. Collection method: clinical testing. Allele origin: germline.
Comment: Variant summary: MYH7 c.692G>T (p.Gly231Val) results in a non-conservative amino acid change located in the Myosin head, motor domain (IPR001609) of the encoded protein sequence. Five of five in-silico tools predict a damaging effect of the variant on protein function. The variant was absent in 251494 control chromosomes. The available data on variant occurrences in the general population are insufficient to allow any conclusion about variant significance. To our knowledge, no occurrence of c.692G>T in individuals affected with Cardiomyopathy and no experimental evidence demonstrating its impact on protein function have been reported. No clinical diagnostic laboratories have submitted clinical-significance assessments for this variant to ClinVar after 2014. Based on the evidence outlined above, the variant was classified as uncertain significance.